The following is an entry in ClinVar:

ClinVar aggregate classification (germline): Uncertain significance (1 of 4 stars; one submission).

gnomAD v4.1: 17 of 1,554,026 alleles (0.0011%); highest among the groups gnomAD compares: Non-Finnish European, 0.00017%; no homozygotes.

Submission:

Athena Diagnostics
Classification: Uncertain significance. Last evaluated: 2025-08-12. Review status: criteria provided, single submitter. Criteria: Athena Diagnostics Criteria. Collection method: clinical testing. Allele origin: unknown.
Comment: Available data are insufficient to determine the clinical significance of the variant at this time. The frequency of this variant in the general population is higher than would generally be expected for pathogenic variants in this gene. Polyphen and MutationTaster predict this amino acid change may be damaging to the protein.

NM_000435.3(NOTCH3):c.4487A>C (p.Asp1496Ala)

Gene: NOTCH3 (notch receptor 3; minus strand). Cytogenetic location: 19p13.12.
Variant type: single nucleotide variant.
Coding change: c.4487A>C on transcript NM_000435.3 (MANE Select); coding-DNA position 4487, A replaced by C.
Protein change: p.Asp1496Ala; replaces aspartic acid 1496 with alanine.
Molecular consequence: missense variant.
Genome position (GRCh38, 1-based): chr19:15,174,317, T>G on the plus strand (A>C on the coding strand, the complement: NOTCH3 is on the minus strand). VCF-style: chr19-15174317-T-G. GRCh37 (hg19) VCF-style: chr19-15285128-T-G.
Other names: short protein forms D1496A.
Identifiers: ClinVar variation 4682212 (VCV004682212.1).